The following is an entry in ClinVar:

NM_001122630.2(CDKN1C):c.466G>A (p.Ala156Thr)

Gene: CDKN1C (cyclin dependent kinase inhibitor 1C; minus strand). Cytogenetic location: 11p15.4.
Variant type: single nucleotide variant.
Coding change: c.466G>A on transcript NM_001122630.2 (MANE Select); coding-DNA position 466, G replaced by A.
Protein change: p.Ala156Thr; replaces alanine 156 with threonine.
Molecular consequence: missense variant. On other transcripts: intron variant (1).
Genome position (GRCh38, 1-based): chr11:2,884,991, C>T on the plus strand (G>A on the coding strand, the complement: CDKN1C is on the minus strand). VCF-style: chr11-2884991-C-T. GRCh37 (hg19) VCF-style: chr11-2906221-C-T.
Other names: c.499G>A, p.Ala167Thr (NM_000076.2, NM_001362474.2); c.466G>A, p.Ala156Thr (NM_001122631.2); c.255+211G>A (NM_001362475.2); short protein forms A156T, A167T.
Identifiers: ClinVar variation 1007215 (VCV001007215.8), dbSNP rs1038604691, ClinGen allele CA379146581.

ClinVar aggregate classification (germline): Uncertain significance (1 of 4 stars; one submission).

Conditions:
Beckwith-Wiedemann syndrome (BWS). Also called: Exomphalos macroglossia gigantism syndrome; EMG SYNDROME. Identifiers: Orphanet 116, MedGen C0004903, MONDO:0007534, OMIM 130650.

Allele frequency attached by ClinVar (database versions not stated): gnomAD below 0.00001 and 0.00001.

Submission:

Labcorp Genetics (formerly Invitae), Labcorp
Classification: Uncertain significance for Beckwith-Wiedemann syndrome. Last evaluated: 2020-07-09. Review status: criteria provided, single submitter. Criteria: Invitae Variant Classification Sherloc (09022015). Collection method: clinical testing. Allele origin: germline.
Comment: The frequency data for this variant in the population databases is considered unreliable, as metrics indicate insufficient coverage at this position in the ExAC database. This variant has not been reported in the literature in individuals with CDKN1C-related conditions. Algorithms developed to predict the effect of missense changes on protein structure and function output the following: SIFT: "Tolerated"; PolyPhen-2: "Not Available"; Align-GVGD: "Class C0". The threonine amino acid residue is found in multiple mammalian species, suggesting that this missense change does not adversely affect protein function. These predictions have not been confirmed by published functional studies and their clinical significance is uncertain. In summary, the available evidence is currently insufficient to determine the role of this variant in disease. Therefore, it has been classified as a Variant of Uncertain Significance. This sequence change replaces alanine with threonine at codon 167 of the CDKN1C protein (p.Ala167Thr). The alanine residue is weakly conserved and there is a small physicochemical difference between alanine and threonine.